The following is an entry in ClinVar:

ClinVar aggregate classification (germline): Uncertain significance. Review status: criteria provided, multiple submitters, no conflicts (2 of 4 stars). 4 submissions from 4 submitters: Uncertain significance (4). Last evaluated 2025-07-16.

Conditions:
Familial thoracic aortic aneurysm and aortic dissection (TAAD). Also called: Thoracic aortic aneurysms and dissections. Identifiers: Orphanet 91387, MedGen C4707243, MONDO:0019625.
Ehlers-Danlos syndrome, type 4 (EDSVASC). Also called: Ehlers-Danlos syndrome vascular type; Ehlers Danlos syndrome, ecchymotic type; Ehlers Danlos syndrome, arterial type; Ehlers Danlos syndrome, Sack-Barabas type; Ehlers-Danlos Syndrome Type IV. Identifiers: Orphanet 286, MedGen C0268338, MONDO:0017314, OMIM 130050.

Allele frequency attached by ClinVar (database versions not stated): gnomAD 0.00001; TOPMed 0.00001.
gnomAD v4.1: 1 of 1,613,888 alleles (0.000062%); highest among the groups gnomAD compares: Non-Finnish European, 0.000085%; no homozygotes.

Submissions (4):

Labcorp Genetics (formerly Invitae), Labcorp
Classification: Uncertain significance for Ehlers-Danlos syndrome, type 4. Last evaluated: 2025-07-16. Review status: criteria provided, single submitter. Criteria: Invitae Variant Classification Sherloc (09022015). Collection method: clinical testing. Allele origin: germline.
Comment: This sequence change replaces tyrosine, which is neutral and polar, with cysteine, which is neutral and slightly polar, at codon 1447 of the COL3A1 protein (p.Tyr1447Cys). This variant is not present in population databases (gnomAD no frequency). This variant has not been reported in the literature in individuals affected with COL3A1-related conditions. ClinVar contains an entry for this variant (Variation ID: 519596). Invitae Evidence Modeling of protein sequence and biophysical properties (such as structural, functional, and spatial information, amino acid conservation, physicochemical variation, residue mobility, and thermodynamic stability) indicates that this missense variant is not expected to disrupt COL3A1 protein function with a negative predictive value of 95%. In summary, the available evidence is currently insufficient to determine the role of this variant in disease. Therefore, it has been classified as a Variant of Uncertain Significance.

All of Us Research Program, National Institutes of Health
Classification: Uncertain significance for Ehlers-Danlos syndrome, type 4. Last evaluated: 2023-11-20. Review status: criteria provided, single submitter. Criteria: ACMG Guidelines, 2015. Collection method: clinical testing. Allele origin: germline. Inheritance: Autosomal dominant inheritance. Observed: 1 variant allele, 1 heterozygote.
Comment: This missense variant replaces tyrosine with cysteine at codon 1447 of the COL3A1 protein. Computational prediction suggests that this variant may not impact protein structure and function (internally defined REVEL score threshold <= 0.5, PMID: 27666373). To our knowledge, functional studies have not been reported for this variant. This variant has not been reported in individuals affected with COL3A1-related disorders in the literature. This variant has not been identified in the general population by the Genome Aggregation Database (gnomAD). The available evidence is insufficient to determine the role of this variant in disease conclusively. Therefore, this variant is classified as a Variant of Uncertain Significance.

This study involves interpretation of variants in research participants for the purpose of population health screening. Participant phenotype was not available at the time of variant classification. Additional details can be found in publication PMID: 35346344, PMCID: PMC8962531

Color Diagnostics, LLC DBA Color Health
Classification: Uncertain significance for Familial thoracic aortic aneurysm and aortic dissection. Last evaluated: 2023-10-25. Review status: criteria provided, single submitter. Criteria: ACMG Guidelines, 2015. Collection method: clinical testing. Allele origin: germline.
Comment: This missense variant replaces tyrosine with cysteine at codon 1447 of the COL3A1 protein. Computational prediction suggests that this variant may not impact protein structure and function. To our knowledge, functional studies have not been reported for this variant. This variant has not been reported in individuals affected with COL3A1-related disorders in the literature. This variant has not been identified in the general population by the Genome Aggregation Database (gnomAD). The available evidence is insufficient to determine the role of this variant in disease conclusively. Therefore, this variant is classified as a Variant of Uncertain Significance.

Ambry Genetics
Classification: Uncertain significance for Familial thoracic aortic aneurysm and aortic dissection. Last evaluated: 2016-01-12. Review status: criteria provided, single submitter. Criteria: Ambry Variant Classification Scheme 2023. Collection method: clinical testing. Allele origin: germline.
Comment: The p.Y1447C variant (also known as c.4340A>G), located in coding exon 51 of the COL3A1 gene, results from an A to G substitution at nucleotide position 4340. The tyrosine at codon 1447 is replaced by cysteine, an amino acid with highly dissimilar properties. This variant was not reported in population based cohorts in the following databases: Database of Single Nucleotide Polymorphisms (dbSNP), NHLBI Exome Sequencing Project (ESP), and 1000 Genomes Project. In the ESP, this variant was not observed in 6503 samples (13006 alleles) with coverage at this position. This amino acid position is not well conserved in available vertebrate species. In addition, the in silico prediction for this alteration is inconclusive. Since supporting evidence is limited at this time, the clinical significance of this variant remains unclear.

NM_000090.4(COL3A1):c.4340A>G (p.Tyr1447Cys)

Gene: COL3A1 (collagen type III alpha 1 chain; plus strand). Cytogenetic location: 2q32.2.
Variant type: single nucleotide variant.
Coding change: c.4340A>G on transcript NM_000090.4 (MANE Select); coding-DNA position 4340, A replaced by G.
Protein change: p.Tyr1447Cys; replaces tyrosine 1447 with cysteine.
Molecular consequence: missense variant.
Genome position (GRCh38, 1-based): chr2:189,011,713, A>G. VCF-style: chr2-189011713-A-G. GRCh37 (hg19) VCF-style: chr2-189876439-A-G.
Other names: short protein forms Y1447C.
Identifiers: ClinVar variation 519596 (VCV000519596.16), dbSNP rs1407784923, ClinGen allele CA349850377.